The following is an entry in ClinVar:

NM_001083116.3(PRF1):c.146A>T (p.Asp49Val)

Gene: PRF1 (perforin 1; minus strand). Cytogenetic location: 10q22.1.
Variant type: single nucleotide variant.
Coding change: c.146A>T on transcript NM_001083116.3 (MANE Select); coding-DNA position 146, A replaced by T.
Protein change: p.Asp49Val; replaces aspartic acid 49 with valine.
Molecular consequence: missense variant.
Genome position (GRCh38, 1-based): chr10:70,600,757, T>A on the plus strand (A>T on the coding strand, the complement: PRF1 is on the minus strand). VCF-style: chr10-70600757-T-A. GRCh37 (hg19) VCF-style: chr10-72360513-T-A.
Other names: c.146A>T, p.Asp49Val (NM_005041.6); short protein forms D49V.
Identifiers: ClinVar variation 4691823 (VCV004691823.1).

ClinVar aggregate classification (germline): Likely pathogenic (1 of 4 stars; one submission).

Conditions:
Familial hemophagocytic lymphohistiocytosis 2 (FHL2). Also called: PRF1-Related Familial Hemophagocytic Lymphohistiocytosis (PRF1-fHLH). Identifiers: Orphanet 540, MedGen C1863727, MONDO:0011337, OMIM 603553.

Submission:

Labcorp Genetics (formerly Invitae), Labcorp
Classification: Likely pathogenic for Familial hemophagocytic lymphohistiocytosis 2. Last evaluated: 2025-12-11. Review status: criteria provided, single submitter. Criteria: Invitae Variant Classification Sherloc (09022015). Collection method: clinical testing. Allele origin: germline.
Comment: This sequence change replaces aspartic acid, which is acidic and polar, with valine, which is neutral and non-polar, at codon 49 of the PRF1 protein (p.Asp49Val). This variant is present in population databases (no rsID available, gnomAD 0.002%). This variant has not been reported in the literature in individuals affected with PRF1-related conditions. Invitae Evidence Modeling of protein sequence and biophysical properties (such as structural, functional, and spatial information, amino acid conservation, physicochemical variation, residue mobility, and thermodynamic stability) indicates that this missense variant is expected to disrupt PRF1 protein function with a positive predictive value of 95%. This variant disrupts the p.Asp49 amino acid residue in PRF1. Other variant(s) that disrupt this residue have been determined to be pathogenic (PMID: 34170459; internal data). This suggests that this residue is clinically significant, and that variants that disrupt this residue are likely to be disease-causing. In summary, the currently available evidence indicates that the variant is pathogenic, but additional data are needed to prove that conclusively. Therefore, this variant has been classified as Likely Pathogenic.

Literature cited by the submitters: PubMed 34170459.